The following is an entry in ClinVar:

NM_003482.4(KMT2D):c.14812A>G (p.Thr4938Ala)

Gene: KMT2D (lysine methyltransferase 2D; minus strand). Cytogenetic location: 12q13.12.
Variant type: single nucleotide variant.
Coding change: c.14812A>G on transcript NM_003482.4 (MANE Select); coding-DNA position 14812, A replaced by G.
Protein change: p.Thr4938Ala; replaces threonine 4938 with alanine.
Molecular consequence: missense variant.
Genome position (GRCh38, 1-based): chr12:49,027,154, T>C on the plus strand (A>G on the coding strand, the complement: KMT2D is on the minus strand). VCF-style: chr12-49027154-T-C. GRCh37 (hg19) VCF-style: chr12-49420937-T-C.
Other names: c.14812A>G (NM_003482.3); short protein forms T4938A.
Identifiers: ClinVar variation 1477456 (VCV001477456.9), dbSNP rs778051166, ClinGen allele CA6545659.

ClinVar aggregate classification (germline): Uncertain significance. Review status: criteria provided, multiple submitters, no conflicts (2 of 4 stars). 2 submissions from 2 submitters: Uncertain significance (2). Last evaluated 2026-07-06.

Conditions:
Kabuki syndrome. Also called: Kabuki make-up syndrome; NIIKAWA-KUROKI SYNDROME. Identifiers: Orphanet 2322, MedGen C0796004, MONDO:0016512.
KMT2D-related disorder. Also called: KMT2D-Related Disorders.

Allele frequency attached by ClinVar (database versions not stated): gnomAD exomes below 0.00001; ExAC 0.00001.

Submissions (2):

PreventionGenetics, part of Exact Sciences
Classification: Uncertain significance for KMT2D-related condition. Last evaluated: 2026-07-06. Review status: criteria provided, single submitter. Criteria: ACMG Guidelines, 2015. Collection method: clinical testing. Allele origin: germline.
Comment: The KMT2D c.14812A>G variant is predicted to result in the amino acid substitution p.Thr4938Ala. To our knowledge, this variant has not been reported in the literature. This variant is reported in 0.0011% of alleles in individuals of European (Non-Finnish) descent in gnomAD. At this time, the clinical significance of this variant is uncertain due to the absence of conclusive functional and genetic evidence.

Labcorp Genetics (formerly Invitae), Labcorp
Classification: Uncertain significance for Kabuki syndrome. Last evaluated: 2021-03-13. Review status: criteria provided, single submitter. Criteria: Invitae Variant Classification Sherloc (09022015). Collection method: clinical testing. Allele origin: germline.
Comment: In summary, the available evidence is currently insufficient to determine the role of this variant in disease. Therefore, it has been classified as a Variant of Uncertain Significance. Advanced modeling of protein sequence and biophysical properties (such as structural, functional, and spatial information, amino acid conservation, physicochemical variation, residue mobility, and thermodynamic stability) performed at Invitae indicates that this missense variant is not expected to disrupt KMT2D protein function. This variant has not been reported in the literature in individuals with KMT2D-related conditions. This variant is present in population databases (rs778051166, ExAC 0.002%). This sequence change replaces threonine with alanine at codon 4938 of the KMT2D protein (p.Thr4938Ala). The threonine residue is weakly conserved and there is a small physicochemical difference between threonine and alanine.